The following is an entry in ClinVar:

ClinVar aggregate classification (germline): Likely benign. Review status: criteria provided, multiple submitters, no conflicts (2 of 4 stars). 3 submissions from 3 submitters: Likely benign (2). 1 of the submissions does not count toward it. Last evaluated 2025-08-15.

Conditions:
FTL-related disorder. Also called: FTL-related condition.
Hereditary hyperferritinemia with congenital cataracts. Also called: Hereditary hyperferritinemia cataract syndrome; Bonneau-Beaumont syndrome; HYPERFERRITINEMIA WITH OR WITHOUT CATARACT. Identifiers: Orphanet 163, MedGen C1833213, MONDO:0010952, OMIM 600886.
Neuroferritinopathy (NBIA3). Also called: NEURODEGENERATION WITH BRAIN IRON ACCUMULATION 3; BASAL GANGLIA DISEASE, ADULT-ONSET. Identifiers: Orphanet 157846, MedGen C1853578, MONDO:0011638, OMIM 606159.

Allele frequency attached by ClinVar (database versions not stated): gnomAD 0.00002; gnomAD exomes 0.00002; ExAC 0.00004; TOPMed 0.00004.
gnomAD v4.1: 27 of 1,614,058 alleles (0.0017%); highest among the groups gnomAD compares: Middle Eastern, 0.082%; no homozygotes.

Submissions (3):

Labcorp Genetics (formerly Invitae), Labcorp
Classification: Likely benign for Neuroferritinopathy; Hereditary hyperferritinemia with congenital cataracts. Last evaluated: 2025-08-15. Review status: criteria provided, single submitter. Criteria: Invitae Variant Classification Sherloc (09022015). Collection method: clinical testing. Allele origin: germline.

Blueprint Genetics
Classification: Likely benign. Last evaluated: 2022-12-26. Review status: criteria provided, single submitter. Criteria: ACMG Guidelines, 2015. Collection method: clinical testing. Allele origin: germline.

PreventionGenetics, part of Exact Sciences
Classification: Likely benign for FTL-related condition. Last evaluated: 2024-03-07. Review status: no assertion criteria provided. Collection method: clinical testing. Allele origin: germline. Not counted in ClinVar's aggregate classification.
Comment: This variant is classified as likely benign based on ACMG/AMP sequence variant interpretation guidelines (Richards et al. 2015 PMID: 25741868, with internal and published modifications).

NM_000146.4(FTL):c.319C>T (p.Leu107=)

Gene: FTL (ferritin light chain; plus strand). Cytogenetic location: 19q13.33.
Variant type: single nucleotide variant.
Coding change: c.319C>T on transcript NM_000146.4 (MANE Select); coding-DNA position 319, C replaced by T.
Protein change: p.Leu107=; no amino-acid change (leucine 107 retained).
Molecular consequence: synonymous variant.
Genome position (GRCh38, 1-based): chr19:48,966,350, C>T. VCF-style: chr19-48966350-C-T. GRCh37 (hg19) VCF-style: chr19-49469607-C-T.
Other names: c.319C>T (NM_000146.3).
Identifiers: ClinVar variation 1622336 (VCV001622336.10), dbSNP rs751923171, ClinGen allele CA9562537.
Genomic context (GRCh38, chr19:48,966,350, plus strand): 5'-GAAGATGAGTGGGGTAAAACCCCAGACGCCATGAAAGCTGCCATGGCCCTGGAGAAAAAG[C>T]TGAACCAGGCCCTTTTGGATCTTCATGCCCTGGGTTCTGCCCGCACGGACCCCCATGTAC-3'
Protein context (NP_000137.2, residues 97-117): MKAAMALEKK[Leu107=]NQALLDLHAL